The following is an entry in ClinVar:

ClinVar aggregate classification (germline): Likely benign (1 of 4 stars; one submission).

gnomAD v4.1: 462 of 152,084 alleles (0.3%); highest among the groups gnomAD compares: Middle Eastern, 0.68%; 1 homozygote.

Submission:

CeGaT Center for Human Genetics Tuebingen
Classification: Likely benign. Last evaluated: 2026-03-01. Review status: criteria provided, single submitter. Criteria: CeGaT Center For Human Genetics Tuebingen Variant Classification Criteria Version 2. Collection method: clinical testing. Allele origin: germline. Affected: yes. Observed: 1 variant allele.
Comment: CAPN3: BP4

NM_000070.3(CAPN3):c.310-893C>T

Gene: CAPN3 (calpain 3; plus strand). Cytogenetic location: 15q15.1.
Variant type: single nucleotide variant.
Coding change: c.310-893C>T on transcript NM_000070.3 (MANE Select); 893 bases into the intron before coding-DNA position 310, C replaced by T.
Molecular consequence: intron variant.
Genome position (GRCh38, 1-based): chr15:42,383,590, C>T. VCF-style: chr15-42383590-C-T. GRCh37 (hg19) VCF-style: chr15-42675788-C-T.
Other names: c.310-893C>T (NM_024344.2, NM_173087.2).
Identifiers: ClinVar variation 4822474 (VCV004822474.4).